The following is an entry in ClinVar:

NM_002471.4(MYH6):c.4685G>A (p.Arg1562Gln)

Genes: MYH6 (myosin heavy chain 6; minus strand), LOC126861896 (BRD4-independent group 4 enhancer GRCh37_chr14:23854904-23856103; plus strand). Cytogenetic location: 14q11.2.
Variant type: single nucleotide variant.
Coding change: c.4685G>A on transcript NM_002471.4 (MANE Select); coding-DNA position 4685, G replaced by A.
Protein change: p.Arg1562Gln; replaces arginine 1562 with glutamine.
Molecular consequence: missense variant.
Genome position (GRCh38, 1-based): chr14:23,386,589, C>T on the plus strand (G>A on the coding strand, the complement: MYH6 is on the minus strand). VCF-style: chr14-23386589-C-T. GRCh37 (hg19) VCF-style: chr14-23855798-C-T.
Other names: short protein forms R1562Q.
Identifiers: ClinVar variation 263944 (VCV000263944.22), dbSNP rs371068881, ClinGen allele CA7114663.

ClinVar aggregate classification (germline): Uncertain significance. Review status: criteria provided, multiple submitters, no conflicts (2 of 4 stars). 6 submissions from 6 submitters: Uncertain significance (4). 2 of the submissions do not count toward it. Last evaluated 2026-09-21.

Conditions:
MYH6-related disorder. Also called: MYH6-related condition; MYH6-Related Disorders.
Cardiovascular phenotype. Identifiers: MedGen CN230736.
Hypertrophic cardiomyopathy 14. Identifiers: MedGen C2750467, MONDO:0013197, OMIM 613251.

Allele frequency attached by ClinVar (database versions not stated): TOPMed 0.00001; gnomAD exomes 0.00002.
gnomAD v4.1: 32 of 1,495,964 alleles (0.0021%); highest among the groups gnomAD compares: African/African-American, 0.0042%; no homozygotes.

Submissions (6):

PreventionGenetics, part of Exact Sciences
Classification: Uncertain significance for MYH6-related condition. Last evaluated: 2026-09-21. Review status: criteria provided, single submitter. Criteria: ACMG Guidelines, 2015. Collection method: clinical testing. Allele origin: germline.
Comment: The MYH6 c.4685G>A variant is predicted to result in the amino acid substitution p.Arg1562Gln. This variant has been reported in a large cohort of individuals with dilated cardiomyopathy (supplementary data, Verdonschot et al. 2020. PubMed ID: 32880476). This variant is reported in 0.0044% of alleles in individuals of European (Non-Finnish) descent in gnomAD. At this time, the clinical significance of this variant is uncertain due to the absence of conclusive functional and genetic evidence.

Labcorp Genetics (formerly Invitae), Labcorp
Classification: Uncertain significance for Hypertrophic cardiomyopathy 14. Last evaluated: 2025-12-14. Review status: criteria provided, single submitter. Criteria: Invitae Variant Classification Sherloc (09022015). Collection method: clinical testing. Allele origin: germline.
Comment: This sequence change replaces arginine, which is basic and polar, with glutamine, which is neutral and polar, at codon 1562 of the MYH6 protein (p.Arg1562Gln). This variant is present in population databases (rs371068881, gnomAD 0.004%). This missense change has been observed in individual(s) with dilated cardiomyopathy (PMID: 32880476). ClinVar contains an entry for this variant (Variation ID: 263944). Invitae Evidence Modeling of protein sequence and biophysical properties (such as structural, functional, and spatial information, amino acid conservation, physicochemical variation, residue mobility, and thermodynamic stability) indicates that this missense variant is expected to disrupt MYH6 protein function with a positive predictive value of 80%. In summary, the available evidence is currently insufficient to determine the role of this variant in disease. Therefore, it has been classified as a Variant of Uncertain Significance.

Ambry Genetics
Classification: Uncertain significance for Cardiovascular phenotype. Last evaluated: 2025-11-04. Review status: criteria provided, single submitter. Criteria: Ambry Variant Classification Scheme 2023. Collection method: clinical testing. Allele origin: germline.
Comment: The p.R1562Q variant (also known as c.4685G>A), located in coding exon 31 of the MYH6 gene, results from a G to A substitution at nucleotide position 4685. The arginine at codon 1562 is replaced by glutamine, an amino acid with highly similar properties. This alteration has been reported in a dilated cardiomyopathy (DCM) cohort; however, clinical details were limited (Verdonschot JAJ et al. Circ Genom Precis Med, 2020 Oct;13:476-487). This amino acid position is highly conserved in available vertebrate species. In addition, this alteration is predicted to be deleterious by in silico analysis. Since supporting evidence is limited at this time, the clinical significance of this alteration remains unclear.

Blueprint Genetics
Classification: Uncertain significance. Last evaluated: 2024-09-10. Review status: criteria provided, single submitter. Criteria: ACMG Guidelines, 2015. Collection method: clinical testing. Allele origin: germline.

Clinical Genetics, Academic Medical Center
Classification: Uncertain significance. Review status: no assertion criteria provided. Collection method: clinical testing. Allele origin: germline. Affected: yes. Study: VKGL Data-share Consensus. Not counted in ClinVar's aggregate classification.

Joint Genome Diagnostic Labs from Nijmegen and Maastricht, Radboudumc and MUMC+
Classification: Uncertain significance. Review status: no assertion criteria provided. Collection method: clinical testing. Allele origin: germline. Affected: yes. Study: VKGL Data-share Consensus. Not counted in ClinVar's aggregate classification.

Literature cited by the submitters: PubMed 32880476 (cited by Labcorp Genetics (formerly Invitae), Labcorp and Ambry Genetics).